The following is an entry in ClinVar:

NM_004100.5(EYA4):c.1384A>G (p.Ser462Gly)

Genes: EYA4 (EYA transcriptional coactivator and phosphatase 4; plus strand), TARID (TCF21 antisense RNA inducing promoter demethylation; minus strand). Cytogenetic location: 6q23.2.
Variant type: single nucleotide variant.
Coding change: c.1384A>G on transcript NM_004100.5 (MANE Select); coding-DNA position 1384, A replaced by G.
Protein change: p.Ser462Gly; replaces serine 462 with glycine.
Molecular consequence: missense variant.
Genome position (GRCh38, 1-based): chr6:133,512,921, A>G. VCF-style: chr6-133512921-A-G. GRCh37 (hg19) VCF-style: chr6-133834059-A-G.
Other names: c.1222A>G, p.Ser408Gly (NM_001301012.2); c.1402A>G, p.Ser468Gly (NM_001301013.2); c.1315A>G, p.Ser439Gly (NM_001370458.1, NM_172103.4); c.1240A>G, p.Ser414Gly (NM_001370459.1); c.1384A>G, p.Ser462Gly (NM_172105.4); short protein forms S408G, S414G, S439G, S462G, S468G.
Identifiers: ClinVar variation 2656920 (VCV002656920.24), dbSNP rs1799280045, ClinGen allele CA365715063.

ClinVar aggregate classification (germline): Uncertain significance (1 of 4 stars; one submission).

Allele frequency attached by ClinVar (database versions not stated): TOPMed below 0.00001.

Submission:

CeGaT Center for Human Genetics Tuebingen
Classification: Uncertain significance. Last evaluated: 2026-04-01. Review status: criteria provided, single submitter. Criteria: CeGaT Center For Human Genetics Tuebingen Variant Classification Criteria Version 2. Collection method: clinical testing. Allele origin: germline. Affected: yes. Observed: 1 variant allele.
Comment: EYA4: PM2